The following is an entry in ClinVar:

ClinVar aggregate classification (germline): Uncertain significance. Review status: criteria provided, multiple submitters, no conflicts (2 of 4 stars). 2 submissions from 2 submitters: Uncertain significance (2). Last evaluated 2025-10-12.

Conditions:
Familial thoracic aortic aneurysm and aortic dissection (TAAD). Also called: Thoracic aortic aneurysms and dissections. Identifiers: Orphanet 91387, MedGen C4707243, MONDO:0019625.

gnomAD v4.1: 1 of 1,614,058 alleles (0.000062%); no homozygotes.

Submissions (2):

Ambry Genetics
Classification: Uncertain significance for Familial thoracic aortic aneurysm and aortic dissection. Last evaluated: 2025-10-12. Review status: criteria provided, single submitter. Criteria: Ambry Variant Classification Scheme 2023. Collection method: clinical testing. Allele origin: germline.
Comment: The p.T787I variant (also known as c.2360C>T), located in coding exon 18 of the MYH11 gene, results from a C to T substitution at nucleotide position 2360. The threonine at codon 787 is replaced by isoleucine, an amino acid with similar properties. This amino acid position is conserved. In addition, this alteration is predicted to be deleterious by in silico analysis. Based on the available evidence, the clinical significance of this variant remains unclear.

Color Diagnostics, LLC DBA Color Health
Classification: Uncertain significance for Familial thoracic aortic aneurysm and aortic dissection. Last evaluated: 2025-07-07. Review status: criteria provided, single submitter. Criteria: ACMG Guidelines, 2015. Collection method: clinical testing. Allele origin: germline.
Comment: This missense variant replaces threonine with isoleucine at codon 794 of the MYH11 protein. Computational prediction is inconclusive regarding the impact of this variant on protein structure and function. To our knowledge, functional studies have not been reported for this variant. This variant has not been reported in individuals affected with MYH11-related disorders in the literature. This variant has been identified in 1/251494 chromosomes in the general population by the Genome Aggregation Database (gnomAD). The available evidence is insufficient to determine the role of this variant in disease conclusively. Therefore, this variant is classified as a Variant of Uncertain Significance.

NM_002474.3(MYH11):c.2360C>T (p.Thr787Ile)

Gene: MYH11 (myosin heavy chain 11; minus strand). Cytogenetic location: 16p13.11.
Variant type: single nucleotide variant.
Coding change: c.2360C>T on transcript NM_002474.3 (MANE Select); coding-DNA position 2360, C replaced by T.
Protein change: p.Thr787Ile; replaces threonine 787 with isoleucine.
Molecular consequence: missense variant.
Genome position (GRCh38, 1-based): chr16:15,747,621, G>A on the plus strand (C>T on the coding strand, the complement: MYH11 is on the minus strand). VCF-style: chr16-15747621-G-A. GRCh37 (hg19) VCF-style: chr16-15841478-G-A.
Other names: c.2381C>T, p.Thr794Ile (NM_001040113.2, NM_001040114.2); c.2360C>T, p.Thr787Ile (NM_022844.3); short protein forms T787I, T794I.
Identifiers: ClinVar variation 4635418 (VCV004635418.2).